The following is an entry in ClinVar:

NM_015409.5(EP400):c.7536G>C (p.Pro2512=)

Gene: EP400 (E1A binding protein p400; plus strand). Cytogenetic location: 12q24.33.
Variant type: single nucleotide variant.
Coding change: c.7536G>C on transcript NM_015409.5 (MANE Select); coding-DNA position 7536, G replaced by C.
Protein change: p.Pro2512=; no amino-acid change (proline 2512 retained).
Molecular consequence: synonymous variant.
Genome position (GRCh38, 1-based): chr12:132,053,405, G>C. VCF-style: chr12-132053405-G-C. GRCh37 (hg19) VCF-style: chr12-132537950-G-C.
Identifiers: ClinVar variation 769840 (VCV000769840.6), dbSNP rs774350762, ClinGen allele CA482844016.

ClinVar aggregate classification (germline): Likely benign. Review status: criteria provided, single submitter (1 of 4 stars). 2 submissions from 2 submitters: Likely benign (1). 1 of the submissions does not count toward it. Last evaluated 2019-12-31.

Conditions:
EP400-related disorder. Also called: EP400-related condition.

Submissions (2):

Labcorp Genetics (formerly Invitae), Labcorp
Classification: Likely benign. Last evaluated: 2019-12-31. Review status: criteria provided, single submitter. Criteria: Invitae Variant Classification Sherloc (09022015). Collection method: clinical testing. Allele origin: germline.

PreventionGenetics, part of Exact Sciences
Classification: Likely benign for EP400-related condition. Last evaluated: 2021-01-04. Review status: no assertion criteria provided. Collection method: clinical testing. Allele origin: germline. Not counted in ClinVar's aggregate classification.
Comment: This variant is classified as likely benign based on ACMG/AMP sequence variant interpretation guidelines (Richards et al. 2015 PMID: 25741868, with internal and published modifications).